The following is an entry in ClinVar:

ClinVar aggregate classification (germline): Uncertain significance. Review status: criteria provided, multiple submitters, no conflicts (2 of 4 stars). 2 submissions from 2 submitters: Uncertain significance (2). Last evaluated 2025-11-17.

Conditions:
Inborn genetic diseases. Identifiers: MedGen C0950123, MeSH D030342.

Allele frequency attached by ClinVar (database versions not stated): gnomAD exomes below 0.00001; TOPMed below 0.00001.
gnomAD v4.1: 1 of 1,614,198 alleles (0.000062%); highest among the groups gnomAD compares: Non-Finnish European, 0.000085%; no homozygotes.

Submissions (2):

Labcorp Genetics (formerly Invitae), Labcorp
Classification: Uncertain significance. Last evaluated: 2025-11-17. Review status: criteria provided, single submitter. Criteria: Invitae Variant Classification Sherloc (09022015). Collection method: clinical testing. Allele origin: germline.
Comment: This sequence change replaces alanine, which is neutral and non-polar, with proline, which is neutral and non-polar, at codon 768 of the MYH3 protein (p.Ala768Pro). This variant is not present in population databases (gnomAD no frequency). This variant has not been reported in the literature in individuals affected with MYH3-related conditions. ClinVar contains an entry for this variant (Variation ID: 1468132). Invitae Evidence Modeling of protein sequence and biophysical properties (such as structural, functional, and spatial information, amino acid conservation, physicochemical variation, residue mobility, and thermodynamic stability) has been performed for this missense variant. However, the output from this modeling did not meet the statistical confidence thresholds required to predict the impact of this variant on MYH3 protein function. In summary, the available evidence is currently insufficient to determine the role of this variant in disease. Therefore, it has been classified as a Variant of Uncertain Significance.

Ambry Genetics
Classification: Uncertain significance for Inborn genetic diseases. Last evaluated: 2025-10-06. Review status: criteria provided, single submitter. Criteria: Ambry Variant Classification Scheme 2023. Collection method: clinical testing. Allele origin: germline.

NM_002470.4(MYH3):c.2302G>C (p.Ala768Pro)

Gene: MYH3 (myosin heavy chain 3; minus strand). Cytogenetic location: 17p13.1.
Variant type: single nucleotide variant.
Coding change: c.2302G>C on transcript NM_002470.4 (MANE Select); coding-DNA position 2302, G replaced by C.
Protein change: p.Ala768Pro; replaces alanine 768 with proline.
Molecular consequence: missense variant.
Genome position (GRCh38, 1-based): chr17:10,640,457, C>G on the plus strand (G>C on the coding strand, the complement: MYH3 is on the minus strand). VCF-style: chr17-10640457-C-G. GRCh37 (hg19) VCF-style: chr17-10543774-C-G.
Other names: c.2302G>C (NM_002470.3); short protein forms A768P.
Identifiers: ClinVar variation 1468132 (VCV001468132.7), dbSNP rs2074260216, ClinGen allele CA398164565.
Genomic context (GRCh38, chr17:10,640,457, plus strand): 5'-GGGTGATTAGTTTGGCCAGGCGGTCATCCCGCATCTCTTCCAGGGTTCCCAGCAAGCCAG[C>G]CTTGAAGAACACCTTATGGGGCAGAAGGGTGACATGAGTCAGTTTCCTAGAGAAGCTGTG-3'
Protein context (NP_002461.2, residues 758-778): KFGHTKVFFK[Ala768Pro]GLLGTLEEMR